The following is an entry in ClinVar:

ClinVar aggregate classification (germline): Pathogenic (1 of 4 stars; one submission).

Submission:

Labcorp Genetics (formerly Invitae), Labcorp
Classification: Pathogenic. Last evaluated: 2021-11-08. Review status: criteria provided, single submitter. Criteria: Invitae Variant Classification Sherloc (09022015). Collection method: clinical testing. Allele origin: germline.
Comment: This sequence change creates a premature translational stop signal (p.Gly423Valfs*2) in the NBAS gene. It is expected to result in an absent or disrupted protein product. Loss-of-function variants in NBAS are known to be pathogenic (PMID: 26073778, 26541327, 27789416, 28031453). This variant is not present in population databases (gnomAD no frequency). This variant has not been reported in the literature in individuals affected with NBAS-related conditions. Algorithms developed to predict the effect of sequence changes on RNA splicing suggest that this variant may create or strengthen a splice site. For these reasons, this variant has been classified as Pathogenic.

Literature cited by the submitters: PubMed 26073778; PubMed 26541327; PubMed 27789416; PubMed 28031453.

NM_015909.4(NBAS):c.1268_1284del (p.Gly423fs)

Gene: NBAS (NBAS subunit of NRZ tethering complex; minus strand). Cytogenetic location: 2p24.3.
Variant type: Deletion.
Coding change: c.1268_1284del on transcript NM_015909.4 (MANE Select); coding-DNA positions 1268 to 1284, 17 bases deleted (GAAAATCCTGTGAATGG).
Protein change: p.Gly423fs; shifts the reading frame from glycine 423.
Molecular consequence: frameshift variant. On other transcripts: non-coding transcript variant (1).
Genome position (GRCh38, 1-based): chr2:15,475,744-15,475,760, CCATTCACAGGATTTTC deleted on the plus strand (GAAAATCCTGTGAATGG on the coding strand, the reverse complement: NBAS is on the minus strand); deleting any 17 consecutive bases within chr2:15,475,744-15,475,763 gives the same sequence; the c. name uses the placement nearest the transcript's 3' end. VCF-style (leftmost placement, unchanged base first): chr2-15475743-ACCATTCACAGGATTTTC-A. GRCh37 (hg19) VCF-style: chr2-15615867-ACCATTCACAGGATTTTC-A.
Other names: short protein forms G423fs.
Identifiers: ClinVar variation 1380706 (VCV001380706.1), dbSNP rs1680162460, ClinGen allele CA2490913389.